The following is an entry in ClinVar:

NM_003482.4(KMT2D):c.15088C>T (p.Arg5030Cys)

Gene: KMT2D (lysine methyltransferase 2D; minus strand). Cytogenetic location: 12q13.12.
Variant type: single nucleotide variant.
Coding change: c.15088C>T on transcript NM_003482.4 (MANE Select); coding-DNA position 15088, C replaced by T.
Protein change: p.Arg5030Cys; replaces arginine 5030 with cysteine.
Molecular consequence: missense variant.
Genome position (GRCh38, 1-based): chr12:49,026,878, G>A on the plus strand (C>T on the coding strand, the complement: KMT2D is on the minus strand). VCF-style: chr12-49026878-G-A. GRCh37 (hg19) VCF-style: chr12-49420661-G-A.
Other names: short protein forms R5030C.
Identifiers: ClinVar variation 445885 (VCV000445885.16), dbSNP rs1555185875, ClinGen allele CA384690106.

ClinVar aggregate classification (germline): Conflicting classifications of pathogenicity. Review status: criteria provided, conflicting classifications (1 of 4 stars). 8 submissions from 8 submitters: Pathogenic (4); Likely pathogenic (3); Uncertain significance (1). Last evaluated 2025-07-02.

Conditions:
KMT2D-related disorder. Also called: KMT2D-Related Disorders.
Kabuki syndrome. Also called: NIIKAWA-KUROKI SYNDROME; Kabuki make-up syndrome. Identifiers: Orphanet 2322, MedGen C0796004, MONDO:0016512.
Kabuki syndrome 1 (KABUK1). Also called: KMT2D-Related Kabuki Syndrome. Identifiers: Orphanet 2322, MedGen CN030661, MONDO:0007843, OMIM 147920.

Submissions (8):

Labcorp Genetics (formerly Invitae), Labcorp
Classification: Pathogenic for Kabuki syndrome. Last evaluated: 2025-07-02. Review status: criteria provided, single submitter. Criteria: Invitae Variant Classification Sherloc (09022015). Collection method: clinical testing. Allele origin: germline.
Comment: This sequence change replaces arginine, which is basic and polar, with cysteine, which is neutral and slightly polar, at codon 5030 of the KMT2D protein (p.Arg5030Cys). This variant is not present in population databases (gnomAD no frequency). This missense change has been observed in individual(s) with Kabuki syndrome (PMID: 23320472, 33314698, 35904121). In at least one individual the variant was observed to be de novo. ClinVar contains an entry for this variant (Variation ID: 445885). Invitae Evidence Modeling of protein sequence and biophysical properties (such as structural, functional, and spatial information, amino acid conservation, physicochemical variation, residue mobility, and thermodynamic stability) has been performed for this missense variant. However, the output from this modeling did not meet the statistical confidence thresholds required to predict the impact of this variant on KMT2D protein function. For these reasons, this variant has been classified as Pathogenic.

3billion
Classification: Likely pathogenic for Kabuki syndrome 1. Last evaluated: 2025-06-25. Review status: criteria provided, single submitter. Criteria: ACMG Guidelines, 2015. Collection method: clinical testing. Allele origin: germline. Affected: yes.
Comment: The variant is not observed in the gnomAD v4.1.0 dataset. Predicted Consequence/Location: Missense variant In silico tool predictions suggest damaging effect of the variant on gene or gene product [REVEL: 0.88 (>=0.6, sensitivity 0.68 and specificity 0.92); 3Cnet: 0.11 (> 0.75, sensitivity 0.96 and precision 0.92)]. The same nucleotide change resulting in the same amino acid change has been previously reported as pathogenic/likely pathogenic with strong evidence (ClinVar ID: VCV000445885 /PMID: 23913813 /3billion dataset). Different missense changes at the same codon (p.Arg5030His, p.Arg5030Leu) have been reported as pathogenic/likely pathogenic with strong evidence (ClinVar ID: VCV000689727, VCV003899377). Therefore, this variant is classified as Likely pathogenic according to the recommendation of ACMG/AMP guideline.

GeneDx
Classification: Pathogenic. Last evaluated: 2024-08-19. Review status: criteria provided, single submitter. Criteria: GeneDx Variant Classification Process June 2021. Collection method: clinical testing. Allele origin: germline.
Comment: Not observed at significant frequency in large population cohorts (gnomAD); In silico analysis supports that this missense variant has a deleterious effect on protein structure/function; This variant is associated with the following publications: (PMID: 35904121, 27447678, 30107592, 33726816, 23913813, 28475860, 30459467, 33314698, 23320472, 37815018, 38859884)

Blueprint Genetics
Classification: Pathogenic for KMT2D-related disorders. Last evaluated: 2023-10-18. Review status: criteria provided, single submitter. Criteria: ACMG Guidelines, 2015. Collection method: clinical testing. Allele origin: germline. Affected: yes. Observed: 1 variant allele.

MGZ Medical Genetics Center
Classification: Likely pathogenic for Kabuki syndrome 1. Last evaluated: 2022-01-13. Review status: criteria provided, single submitter. Criteria: ACMG Guidelines, 2015. Collection method: clinical testing. Allele origin: germline. Affected: yes. Observed: 1 variant allele.
Comment: ACMG criteria applied: PS4_MOD, PM5, PM6, PM2_SUP, PP3

Center for Pediatric Genomic Medicine, Children's Mercy Hospital and Clinics
Classification: Pathogenic. Last evaluated: 2017-07-19. Review status: criteria provided, single submitter. Criteria: ACMG Guidelines, 2015. Collection method: clinical testing. Allele origin: de novo.

Center for Human Genetics, Inc
Classification: Uncertain significance for Kabuki syndrome 1. Last evaluated: 2016-11-01. Review status: criteria provided, single submitter. Criteria: ACMG Guidelines, 2015. Collection method: clinical testing. Allele origin: germline. Affected: yes.

Clinical Genetics and Genomics, Karolinska University Hospital
Classification: Likely pathogenic. Last evaluated: 2015-11-09. Review status: criteria provided, single submitter. Criteria: ACMG Guidelines, 2015. Collection method: clinical testing. Allele origin: germline. Affected: yes. Observed: 1 variant allele.

Literature cited by the submitters: PubMed 23320472 (cited by Labcorp Genetics (formerly Invitae), Labcorp); PubMed 33314698 (cited by Labcorp Genetics (formerly Invitae), Labcorp); PubMed 35904121 (cited by Labcorp Genetics (formerly Invitae), Labcorp); PubMed 23913813 (cited by 3billion).